The following is an entry in ClinVar:

ClinVar aggregate classification (germline): Benign/Likely benign. Review status: criteria provided, multiple submitters, no conflicts (2 of 4 stars). 2 submissions from 2 submitters: Benign (1); Likely benign (1). Last evaluated 2025-05-15.

Conditions:
Tuberous sclerosis 2 (TSC2). Identifiers: Orphanet 805, MedGen C1860707, MONDO:0013199, OMIM 613254.

Submissions (2):

Myriad Genetics, Inc.
Classification: Benign for Tuberous sclerosis 2. Last evaluated: 2025-05-15. Review status: criteria provided, single submitter. Criteria: Myriad Autosomal Dominant, Autosomal Recessive and X-Linked Classification Criteria (2023). Collection method: clinical testing. Allele origin: unknown.
Comment: This variant is considered benign. This variant is a silent/synonymous amino acid change and it is not expected to impact splicing.

Labcorp Genetics (formerly Invitae), Labcorp
Classification: Likely benign for Tuberous sclerosis 2. Last evaluated: 2024-04-29. Review status: criteria provided, single submitter. Criteria: Invitae Variant Classification Sherloc (09022015). Collection method: clinical testing. Allele origin: germline.

NM_000548.5(TSC2):c.1617C>A (p.Leu539=)

Gene: TSC2 (TSC complex subunit 2; plus strand). Cytogenetic location: 16p13.3.
Variant type: single nucleotide variant.
Coding change: c.1617C>A on transcript NM_000548.5 (MANE Select); coding-DNA position 1617, C replaced by A.
Protein change: p.Leu539=; no amino-acid change (leucine 539 retained).
Molecular consequence: synonymous variant.
Genome position (GRCh38, 1-based): chr16:2,065,536, C>A. VCF-style: chr16-2065536-C-A. GRCh37 (hg19) VCF-style: chr16-2115537-C-A.
Other names: c.1617C>A, p.Leu539= (NM_001077183.3, NM_001114382.3, NM_001363528.2 and 3 more transcripts); c.1506C>A, p.Leu502= (NM_001318827.2); c.1470C>A, p.Leu490= (NM_001318829.2); c.1017C>A, p.Leu339= (NM_001318831.2); c.1650C>A, p.Leu550= (NM_001318832.2).
Identifiers: ClinVar variation 795349 (VCV000795349.10), dbSNP rs1596317183, ClinGen allele CA492947805.